The following is an entry in ClinVar:

ClinVar aggregate classification (germline): Likely benign. Review status: criteria provided, multiple submitters, no conflicts (2 of 4 stars). 2 submissions from 2 submitters: Likely benign (2). Last evaluated 2025-01-23.

Conditions:
Lynch syndrome 4 (LYNCH4). Also called: Hereditary non-polyposis colorectal cancer, type 4; Colorectal cancer, hereditary nonpolyposis, type 4. Identifiers: Orphanet 144, MedGen C1838333, MONDO:0013699, OMIM 614337. Disease mechanism: loss of function.
Hereditary nonpolyposis colorectal neoplasms. Identifiers: MedGen C0009405, MeSH D003123.

gnomAD v4.1: 6 of 1,610,692 alleles (0.00037%); highest among the groups gnomAD compares: Non-Finnish European, 0.00051%; no homozygotes.

Submissions (2):

Myriad Genetics, Inc.
Classification: Likely benign for Lynch syndrome 4. Last evaluated: 2025-01-23. Review status: criteria provided, single submitter. Criteria: Myriad Autosomal Dominant, Autosomal Recessive and X-Linked Classification Criteria (2023). Collection method: clinical testing. Allele origin: unknown.
Comment: This variant is considered likely benign. This variant is intronic and is not expected to impact mRNA splicing.

Labcorp Genetics (formerly Invitae), Labcorp
Classification: Likely benign for Hereditary nonpolyposis colorectal neoplasms. Last evaluated: 2024-12-24. Review status: criteria provided, single submitter. Criteria: Invitae Variant Classification Sherloc (09022015). Collection method: clinical testing. Allele origin: germline.

NM_000535.7(PMS2):c.163+10G>A

Gene: PMS2 (PMS1 homolog 2, mismatch repair system component; minus strand). Cytogenetic location: 7p22.1.
Variant type: single nucleotide variant.
Coding change: c.163+10G>A on transcript NM_000535.7 (MANE Select); 10 bases into the intron after coding-DNA position 163, G replaced by A.
Molecular consequence: intron variant.
Genome position (GRCh38, 1-based): chr7:6,005,882, C>T on the plus strand (G>A on the coding strand, the complement: PMS2 is on the minus strand). VCF-style: chr7-6005882-C-T. GRCh37 (hg19) VCF-style: chr7-6045513-C-T.
Other names: c.-53+10G>A (NM_001406896.1, NM_001406901.1, NM_001406902.1 and 4 more transcripts); c.163+10G>A (NM_001406885.1, NM_001406886.1, NM_001406884.1 and 10 more transcripts); c.-242-1824G>A (NM_001322010.2, NM_001322004.2, NM_001406911.1); c.-321-1824G>A (NM_001406879.1); c.-52-1824G>A (NM_001322008.2); c.-218-1824G>A (NM_001406881.1); c.-189-1824G>A (NM_001406895.1); c.-219+10G>A (NM_001406900.1); and 7 more.
Identifiers: ClinVar variation 3727949 (VCV003727949.3).